The following is an entry in ClinVar:

NM_032888.4(COL27A1):c.818C>G (p.Thr273Ser)

Gene: COL27A1 (collagen type XXVII alpha 1 chain; plus strand). Cytogenetic location: 9q32.
Variant type: single nucleotide variant.
Coding change: c.818C>G on transcript NM_032888.4 (MANE Select); coding-DNA position 818, C replaced by G.
Protein change: p.Thr273Ser; replaces threonine 273 with serine.
Molecular consequence: missense variant.
Genome position (GRCh38, 1-based): chr9:114,168,373, C>G. VCF-style: chr9-114168373-C-G. GRCh37 (hg19) VCF-style: chr9-116930653-C-G.
Other names: short protein forms T273S.
Identifiers: ClinVar variation 1512109 (VCV001512109.6), dbSNP rs2135076978, ClinGen allele CA374592323.

ClinVar aggregate classification (germline): Uncertain significance (1 of 4 stars; one submission).

Submission:

Labcorp Genetics (formerly Invitae), Labcorp
Classification: Uncertain significance. Last evaluated: 2023-11-15. Review status: criteria provided, single submitter. Criteria: Invitae Variant Classification Sherloc (09022015). Collection method: clinical testing. Allele origin: germline.
Comment: This sequence change replaces threonine, which is neutral and polar, with serine, which is neutral and polar, at codon 273 of the COL27A1 protein (p.Thr273Ser). This variant is not present in population databases (gnomAD no frequency). This variant has not been reported in the literature in individuals affected with COL27A1-related conditions. ClinVar contains an entry for this variant (Variation ID: 1512109). Advanced modeling of protein sequence and biophysical properties (such as structural, functional, and spatial information, amino acid conservation, physicochemical variation, residue mobility, and thermodynamic stability) performed at Invitae indicates that this missense variant is not expected to disrupt COL27A1 protein function with a negative predictive value of 95%. In summary, the available evidence is currently insufficient to determine the role of this variant in disease. Therefore, it has been classified as a Variant of Uncertain Significance.